The following is an entry in ClinVar:

NM_006031.6(PCNT):c.9876C>G (p.Ser3292=)

Gene: PCNT (pericentrin; plus strand). Cytogenetic location: 21q22.3.
Variant type: single nucleotide variant.
Coding change: c.9876C>G on transcript NM_006031.6 (MANE Select); coding-DNA position 9876, C replaced by G.
Protein change: p.Ser3292=; no amino-acid change (serine 3292 retained).
Molecular consequence: synonymous variant.
Genome position (GRCh38, 1-based): chr21:46,444,730, C>G. VCF-style: chr21-46444730-C-G. GRCh37 (hg19) VCF-style: chr21-47864643-C-G.
Other names: c.9285C>G, p.Ser3095= (NM_001315529.2).
Identifiers: ClinVar variation 4998077 (VCV004998077.1).

ClinVar aggregate classification (germline): Likely benign (1 of 4 stars; one submission).

Conditions:
PCNT-related disorder. Also called: PCNT-related condition.

gnomAD v4.1: 1 of 1,612,998 alleles (0.000062%); highest among the groups gnomAD compares: African/African-American, 0.0013%; no homozygotes.

Submission:

PreventionGenetics, part of Exact Sciences
Classification: Likely benign for PCNT-related condition. Last evaluated: 2025-02-20. Review status: criteria provided, single submitter. Criteria: ACMG Guidelines, 2015. Collection method: clinical testing. Allele origin: germline.
Comment: This variant is classified as likely benign based on ACMG/AMP sequence variant interpretation guidelines (Richards et al. 2015 PMID: 25741868, with internal and published modifications).